The following is an entry in ClinVar:

NM_000540.3(RYR1):c.4338C>T (p.Cys1446=)

Gene: RYR1 (ryanodine receptor 1; plus strand). Cytogenetic location: 19q13.2.
Variant type: single nucleotide variant.
Coding change: c.4338C>T on transcript NM_000540.3 (MANE Select); coding-DNA position 4338, C replaced by T.
Protein change: p.Cys1446=; no amino-acid change (cysteine 1446 retained).
Molecular consequence: synonymous variant.
Genome position (GRCh38, 1-based): chr19:38,477,754, C>T. VCF-style: chr19-38477754-C-T. GRCh37 (hg19) VCF-style: chr19-38968394-C-T.
Other names: c.4338C>T, p.Cys1446= (NM_001042723.2).
Identifiers: ClinVar variation 966879 (VCV000966879.12), dbSNP rs534607272, ClinGen allele CA065959.
Genomic context (GRCh38, chr19:38,477,754, plus strand): 5'-CTCCTTGTGTCACCAGTACTATTACTCCGTGAGGGTCTTTGCTGGACAGGAGCCCAGCTG[C>T]GTGTGGGCGGGCTGGGTCACCCCTGACTACCATCAGCACGACATGAGCTTCGACCTCAGC-3'
Protein context (NP_000531.2, residues 1436-1456): VRVFAGQEPS[Cys1446=]VWAGWVTPDY

ClinVar aggregate classification (germline): Likely benign. Review status: criteria provided, multiple submitters, no conflicts (2 of 4 stars). 3 submissions from 3 submitters: Likely benign (3). Last evaluated 2025-09-09.

Conditions:
RYR1-related disorder. Also called: RYR1-related disorders; RYR1-related condition. Identifiers: MedGen CN239331.
Malignant hyperthermia, susceptibility to, 1 (MHS1). Also called: Anesthesia related hyperthermia; Malignant hyperpyrexia; Fulminating hyperpyrexia; Pharmacogenic myopathy; Malignant hyperthermia suceptibility 1; RYR1-Related Malignant Hyperthermia Susceptibility. Identifiers: Orphanet 423, MedGen C2930980, MONDO:0007783, OMIM 145600.

Allele frequency attached by ClinVar (database versions not stated): TOPMed below 0.00001; gnomAD 0.00001 and 0.00002; gnomAD exomes 0.00003 and 0.00005; ExAC 0.00006; 1000 Genomes Project 30x 0.00031; 1000 Genomes Project 0.00040.
gnomAD v4.1: 42 of 1,614,118 alleles (0.0026%); highest among the groups gnomAD compares: South Asian, 0.036%; 1 homozygote.

Submissions (3):

Labcorp Genetics (formerly Invitae), Labcorp
Classification: Likely benign for RYR1-related disorder. Last evaluated: 2025-09-09. Review status: criteria provided, single submitter. Criteria: Invitae Variant Classification Sherloc (09022015). Collection method: clinical testing. Allele origin: germline.

All of Us Research Program, National Institutes of Health
Classification: Likely benign for Malignant hyperthermia, susceptibility to, 1. Last evaluated: 2024-02-05. Review status: criteria provided, single submitter. Criteria: ACMG Guidelines, 2015. Collection method: clinical testing. Allele origin: germline. Inheritance: Autosomal dominant inheritance. Observed: 3 variant alleles, 2 heterozygotes, 1 homozygote.
Comment: This variant is located in the RYR1 protein. To our knowledge, functional studies have not been reported for this variant. This variant has not been reported in individuals affected with RYR1-related disorders in the literature. This variant has been identified in 13/251374 chromosomes in the general population by the Genome Aggregation Database (gnomAD). The available evidence is insufficient to determine the role of this variant in disease conclusively. Therefore, this variant is classified as a Variant of Uncertain Significance.

This study involves interpretation of variants in research participants for the purpose of population health screening. Participant phenotype was not available at the time of variant classification. Additional details can be found in publication PMID: 35346344, PMCID: PMC8962531

Color Diagnostics, LLC DBA Color Health
Classification: Likely benign for Malignant hyperthermia, susceptibility to, 1. Last evaluated: 2023-12-12. Review status: criteria provided, single submitter. Criteria: ACMG Guidelines, 2015. Collection method: clinical testing. Allele origin: germline.